The following is an entry in ClinVar:

ClinVar aggregate classification (germline): Pathogenic (1 of 4 stars; one submission).

Conditions:
Joubert syndrome 17 (JBTS17). Identifiers: Orphanet 475, MedGen C3553264, MONDO:0013824, OMIM 614615.

Submission:

Victorian Clinical Genetics Services, Murdoch Childrens Research Institute
Classification: Pathogenic for Joubert syndrome 17. Last evaluated: 2024-10-22. Review status: criteria provided, single submitter. Criteria: ACMG Guidelines, 2015. Collection method: clinical testing. Allele origin: germline. Affected: yes.
Comment: This variant is classified as Pathogenic. Evidence in support of pathogenic classification: Variant is predicted to cause nonsense-mediated decay (NMD) and loss of protein (premature termination codon is located at least 54 nucleotides upstream of the final exon-exon junction); Variant is present in gnomAD <0.01 for a recessive condition (v4: 8 heterozygote(s), 0 homozygote(s)); This variant has limited previous evidence of pathogenicity in an unrelated individual. It has been observed in a compound heterozygous individual with Joubert syndrome (PMID: 32373664); Other NMD-predicted variants comparable to the one identified in this case have very strong previous evidence for pathogenicity (DECIPHER). Additional information: This variant is homozygous; This gene is associated with autosomal recessive disease; No published segregation evidence has been identified for this variant; No published functional evidence has been identified for this variant; Loss of function is a known mechanism of disease in this gene and is associated with Joubert syndrome 17 (MIM#614615) and orofaciodigital syndrome VI (MIM#277170).

Literature cited by the submitters: PubMed 32373664.

NM_001384732.1(CPLANE1):c.7399dup (p.Arg2467fs)

Gene: CPLANE1 (ciliogenesis and planar polarity effector complex subunit 1; minus strand). Cytogenetic location: 5p13.2.
Variant type: Duplication.
Coding change: c.7399dup on transcript NM_001384732.1 (MANE Select); coding-DNA position 7399, one base duplicated (A; older notation c.7399dupA).
Protein change: p.Arg2467fs; shifts the reading frame from arginine 2467.
Molecular consequence: frameshift variant.
Genome position (GRCh38, 1-based): chr5:37,167,048, T duplicated on the plus strand (A on the coding strand, the reverse complement: CPLANE1 is on the minus strand); the first of 7 consecutive T bases (chr5:37,167,048-37,167,054); duplicating any one gives the same sequence. VCF-style (leftmost placement, unchanged base first): chr5-37167047-C-CT. GRCh37 (hg19) VCF-style: chr5-37167149-C-CT.
Other names: c.7399dup, p.Arg2467fs (NM_023073.4); short protein forms R2467fs.
Identifiers: ClinVar variation 4531993 (VCV004531993.1).